The following is an entry in ClinVar:

ClinVar aggregate classification (germline): Uncertain significance (1 of 4 stars; one submission).

Conditions:
Inborn genetic diseases. Identifiers: MedGen C0950123, MeSH D030342.

Submission:

Ambry Genetics
Classification: Uncertain significance for Inborn genetic diseases. Last evaluated: 2023-04-23. Review status: criteria provided, single submitter. Criteria: Ambry Variant Classification Scheme 2023. Collection method: clinical testing. Allele origin: germline.
Comment: The p.G2524C variant (also known as c.7570G>T), located in coding exon 45 of the ATR gene, results from a G to T substitution at nucleotide position 7570. The glycine at codon 2524 is replaced by cysteine, an amino acid with highly dissimilar properties. This amino acid position is conserved. In addition, this alteration is predicted to be deleterious by in silico analysis. Since supporting evidence is limited at this time, the clinical significance of this alteration remains unclear.

NM_001184.4(ATR):c.7570G>T (p.Gly2524Cys)

Gene: ATR (ATR checkpoint kinase; minus strand). Cytogenetic location: 3q23.
Variant type: single nucleotide variant.
Coding change: c.7570G>T on transcript NM_001184.4 (MANE Select); coding-DNA position 7570, G replaced by T.
Protein change: p.Gly2524Cys; replaces glycine 2524 with cysteine.
Molecular consequence: missense variant.
Genome position (GRCh38, 1-based): chr3:142,457,689, C>A on the plus strand (G>T on the coding strand, the complement: ATR is on the minus strand). VCF-style: chr3-142457689-C-A. GRCh37 (hg19) VCF-style: chr3-142176531-C-A.
Other names: c.7378G>T, p.Gly2460Cys (NM_001354579.2); short protein forms G2460C, G2524C.
Identifiers: ClinVar variation 2561371 (VCV002561371.2), dbSNP rs2108257572, ClinGen allele CA354795202.